The following is an entry in ClinVar:

NM_004646.4(NPHS1):c.574C>T (p.Gln192Ter)

Gene: NPHS1 (NPHS1 adhesion molecule, nephrin; minus strand). Cytogenetic location: 19q13.12.
Variant type: single nucleotide variant.
Coding change: c.574C>T on transcript NM_004646.4 (MANE Select); coding-DNA position 574, C replaced by T.
Protein change: p.Gln192Ter; replaces glutamine 192 with a stop codon.
Molecular consequence: nonsense.
Genome position (GRCh38, 1-based): chr19:35,850,398, G>A on the plus strand (C>T on the coding strand, the complement: NPHS1 is on the minus strand). VCF-style: chr19-35850398-G-A. GRCh37 (hg19) VCF-style: chr19-36341300-G-A.
Other names: short protein forms Q192*.
Identifiers: ClinVar variation 56515 (VCV000056515.11), dbSNP rs386833953, ClinGen allele CA250258.

ClinVar aggregate classification (germline): Pathogenic. Review status: criteria provided, multiple submitters, no conflicts (2 of 4 stars). 4 submissions from 4 submitters: Pathogenic (3). 1 of the submissions does not count toward it. Last evaluated 2023-01-24.

Conditions:
Finnish congenital nephrotic syndrome (NPHS1). Also called: NEPHROTIC SYNDROME, TYPE 1. Identifiers: Orphanet 839, MedGen C0403399, MONDO:0009732, OMIM 256300.

Allele frequency attached by ClinVar (database versions not stated): gnomAD exomes below 0.00001; TOPMed 0.00001; gnomAD 0.00002.
gnomAD v4.1: 4 of 1,614,006 alleles (0.00025%); highest among the groups gnomAD compares: African/African-American, 0.0053%; no homozygotes.

Submissions (4):

Labcorp Genetics (formerly Invitae), Labcorp
Classification: Pathogenic. Last evaluated: 2023-01-24. Review status: criteria provided, single submitter. Criteria: Invitae Variant Classification Sherloc (09022015). Collection method: clinical testing. Allele origin: germline.
Comment: Algorithms developed to predict the effect of sequence changes on RNA splicing suggest that this variant may disrupt the consensus splice site. ClinVar contains an entry for this variant (Variation ID: 56515). This premature translational stop signal has been observed in individual(s) with nephrotic syndrome (PMID: 20172850). This variant is present in population databases (rs386833953, gnomAD 0.008%). This sequence change creates a premature translational stop signal (p.Gln192*) in the NPHS1 gene. It is expected to result in an absent or disrupted protein product. Loss-of-function variants in NPHS1 are known to be pathogenic (PMID: 11317351, 11854170, 12039988). For these reasons, this variant has been classified as Pathogenic.

Fulgent Genetics
Classification: Pathogenic for Finnish congenital nephrotic syndrome. Last evaluated: 2022-04-17. Review status: criteria provided, single submitter. Criteria: ACMG Guidelines, 2015. Collection method: clinical testing. Allele origin: unknown.

Women's Health and Genetics/Laboratory Corporation of America, LabCorp
Classification: Pathogenic for Finnish congenital nephrotic syndrome. Last evaluated: 2021-04-18. Review status: criteria provided, single submitter. Criteria: LabCorp Variant Classification Summary - May 2015. Collection method: clinical testing. Allele origin: germline.
Comment: Variant summary: NPHS1 c.574C>T (p.Gln192X) results in a premature termination codon, predicted to cause a truncation of the encoded protein or absence of the protein due to nonsense mediated decay, which are commonly known mechanisms for disease. Truncations downstream of this position have been classified as pathogenic by our laboratory. The variant allele was found at a frequency of 4e-06 in 251482 control chromosomes. c.574C>T has been reported in the literature in at-least one individual affected with Nephrotic Syndrome, Type 1 (Steroid resistant) and has also been subsequently cited by others (example, Schoeb_2010, Lovric_2014). To our knowledge, no experimental evidence demonstrating an impact on protein function has been reported. One clinical diagnostic laboratory has submitted clinical-significance assessments for this variant to ClinVar after 2014 and classified the variant as pathogenic citing overlapping an evidence utilized in the context of this evaluation. Based on the evidence outlined above, the variant was classified as pathogenic.

Juha Muilu Group; Institute for Molecular Medicine Finland (FIMM)
Classification: Likely pathogenic for Finnish congenital nephrotic syndrome. Review status: no assertion criteria provided. Collection method: not provided. Allele origin: unknown. Not counted in ClinVar's aggregate classification.
Comment: FinDis database variant: FinDis database variant: This variant was not found or characterized by our laboratory, data were collected from public sources: see reference
ClinVar note: Converted during submission from probable-pathogenic to Likely pathogenic.

Literature cited by the submitters: PubMed 20172850 (cited by Labcorp Genetics (formerly Invitae), Labcorp and Women's Health and Genetics/Laboratory Corporation of America, LabCorp); PubMed 11317351 (cited by Labcorp Genetics (formerly Invitae), Labcorp); PubMed 11854170 (cited by Labcorp Genetics (formerly Invitae), Labcorp); PubMed 12039988 (cited by Labcorp Genetics (formerly Invitae), Labcorp); PubMed 24742477 (cited by Women's Health and Genetics/Laboratory Corporation of America, LabCorp).